The following is an entry in ClinVar:

NM_032119.4(ADGRV1):c.15334C>T (p.Arg5112Cys)

Gene: ADGRV1 (adhesion G protein-coupled receptor V1; plus strand). Cytogenetic location: 5q14.3.
Variant type: single nucleotide variant.
Coding change: c.15334C>T on transcript NM_032119.4 (MANE Select); coding-DNA position 15334, C replaced by T.
Protein change: p.Arg5112Cys; replaces arginine 5112 with cysteine.
Molecular consequence: missense variant. On other transcripts: non-coding transcript variant (1).
Genome position (GRCh38, 1-based): chr5:90,810,594, C>T. VCF-style: chr5-90810594-C-T. GRCh37 (hg19) VCF-style: chr5-90106411-C-T.
Other names: short protein forms R5112C.
Identifiers: ClinVar variation 288480 (VCV000288480.16), dbSNP rs372400654, ClinGen allele CA3341899.

ClinVar aggregate classification (germline): Conflicting classifications of pathogenicity. Review status: criteria provided, conflicting classifications (1 of 4 stars). 6 submissions from 6 submitters: Uncertain significance (5); Likely benign (1). Last evaluated 2026-01-20.

Conditions:
Inborn genetic diseases. Identifiers: MedGen C0950123, MeSH D030342.

Allele frequency attached by ClinVar (database versions not stated): 1000 Genomes Project 0.00040; gnomAD exomes 0.00004 and 0.00010; ESP Exome Variant Server 0.00008; TOPMed 0.00008; gnomAD 0.00011; ExAC 0.00012; 1000 Genomes Project 30x 0.00031.
gnomAD v4.1: 86 of 1,613,952 alleles (0.0053%); highest among the groups gnomAD compares: East Asian, 0.056%; no homozygotes.

Submissions (6):

Labcorp Genetics (formerly Invitae), Labcorp
Classification: Likely benign. Last evaluated: 2026-01-20. Review status: criteria provided, single submitter. Criteria: Invitae Variant Classification Sherloc (09022015). Collection method: clinical testing. Allele origin: germline.

Ambry Genetics
Classification: Uncertain significance for Inborn genetic diseases. Last evaluated: 2024-12-29. Review status: criteria provided, single submitter. Criteria: Ambry Variant Classification Scheme 2023. Collection method: clinical testing. Allele origin: germline.

Blueprint Genetics
Classification: Uncertain significance. Last evaluated: 2024-11-04. Review status: criteria provided, single submitter. Criteria: ACMG Guidelines, 2015. Collection method: clinical testing. Allele origin: germline.

GeneDx
Classification: Uncertain significance. Last evaluated: 2024-09-05. Review status: criteria provided, single submitter. Criteria: GeneDx Variant Classification Process June 2021. Collection method: clinical testing. Allele origin: germline. Affected: yes.
Comment: In silico analysis supports that this missense variant has a deleterious effect on protein structure/function; Has not been previously published as pathogenic or benign to our knowledge

Eurofins Ntd Llc (ga)
Classification: Uncertain significance. Last evaluated: 2016-06-10. Review status: criteria provided, single submitter. Criteria: EGL Classification Definitions 2015. Collection method: clinical testing. Allele origin: germline. Observed: 1 variant allele, 1 heterozygote.

Breakthrough Genomics
Classification: Uncertain significance. Review status: criteria provided, single submitter. Criteria: ACMG Guidelines, 2015. Collection method: not provided. Allele origin: germline. Inheritance: Autosomal recessive inheritance. Affected: yes.